The following is an entry in ClinVar:

NM_000186.4(CFH):c.3040G>A (p.Val1014Met)

Gene: CFH (complement factor H; plus strand). Cytogenetic location: 1q31.3.
Variant type: single nucleotide variant.
Coding change: c.3040G>A on transcript NM_000186.4 (MANE Select); coding-DNA position 3040, G replaced by A.
Protein change: p.Val1014Met; replaces valine 1014 with methionine.
Molecular consequence: missense variant.
Genome position (GRCh38, 1-based): chr1:196,741,958, G>A. VCF-style: chr1-196741958-G-A. GRCh37 (hg19) VCF-style: chr1-196711088-G-A.
Other names: short protein forms V1014M.
Identifiers: ClinVar variation 4291530 (VCV004291530.1).

ClinVar aggregate classification (germline): Uncertain significance (1 of 4 stars; one submission).

Conditions:
Atypical hemolytic-uremic syndrome. Identifiers: Orphanet 2134, MedGen C2931788, MONDO:0016244.
Basal laminar drusen. Also called: DRUSEN OF BRUCH MEMBRANE; DRUSEN, CUTICULAR; DRUSEN, EARLY ADULT-ONSET, GROUPED. Identifiers: Orphanet 75376, MedGen C0730295, MONDO:0007472, OMIM 126700.
Factor H deficiency (CFHD). Also called: COMPLEMENT FACTOR H DEFICIENCY; CFH DEFICIENCY. Identifiers: Orphanet 200421, MedGen C0398777, MONDO:0012350, OMIM 609814.
Age related macular degeneration 4. Identifiers: MedGen C1853147, MONDO:0012540, OMIM 610698.

Submission:

Genomenon, Inc
Classification: Uncertain significance for Basal laminar drusen; Age related macular degeneration 4; Atypical hemolytic-uremic syndrome; Factor H deficiency. Last evaluated: 2025-10-02. Review status: criteria provided, single submitter. Criteria: Genomenon Sequence Variant Interpretation Standards - Updated. Collection method: curation. Allele origin: germline. Affected: no.
Comment: CFH p.Val1014Met (c.3040G>A) is a missense variant that changes the amino acid at residue 1014 from Valine to Methionine. This variant has been reported in the published literature (PMID:36211394). It is absent or not present at a significant frequency in gnomAD. In conclusion, we classify CFH p.Val1014Met (c.3040G>A) as a variant of uncertain significance.

Literature cited by the submitters: PubMed 36211394.